The following is an entry in ClinVar:

NM_000466.3(PEX1):c.5G>A (p.Trp2Ter)

Genes: PEX1 (peroxisomal biogenesis factor 1; minus strand), LOC129998796 (ATAC-STARR-seq lymphoblastoid silent region 18372; plus strand). Cytogenetic location: 7q21.2.
Variant type: single nucleotide variant.
Coding change: c.5G>A on transcript NM_000466.3 (MANE Select); coding-DNA position 5, G replaced by A.
Protein change: p.Trp2Ter; replaces tryptophan 2 with a stop codon.
Molecular consequence: nonsense. On other transcripts: 5 prime UTR variant (1).
Genome position (GRCh38, 1-based): chr7:92,528,431, C>T on the plus strand (G>A on the coding strand, the complement: PEX1 is on the minus strand). VCF-style: chr7-92528431-C-T. GRCh37 (hg19) VCF-style: chr7-92157745-C-T.
Other names: c.5G>A, p.Trp2Ter (NM_001282677.2); c.-655G>A (NM_001282678.2); short protein forms W2*.
Identifiers: ClinVar variation 558040 (VCV000558040.19), dbSNP rs762679408, ClinGen allele CA4341710.

ClinVar aggregate classification (germline): Pathogenic. Review status: criteria provided, multiple submitters, no conflicts (2 of 4 stars). 6 submissions from 6 submitters: Pathogenic (5). 1 of the submissions does not count toward it. Last evaluated 2026-04-24.

Conditions:
Heimler syndrome 1 (HMLR1). Also called: PEROXISOME BIOGENESIS DISORDER 1C. Identifiers: Orphanet 3220, MedGen C4551980, OMIM 234580, MONDO:0024544.
Peroxisome biogenesis disorder 1A (Zellweger) (PBD1A). Also called: Peroxisome biogenesis disorder 1a; Zellweger leukodystrophy. Identifiers: MedGen C4721541, MONDO:0008953, OMIM 214100.
Peroxisome biogenesis disorder 1B (PBD1B). Also called: ADRENOLEUKODYSTROPHY, AUTOSOMAL NEONATAL; Refsum disease, infantile form; Infantile Refsum disease; Infantile form of phytanic acid storage disease; PEROXISOME BIOGENESIS DISORDER (NEONATAL ADRENOLEUKODYSTROPHY/INFANTILE REFSUM DISEASE); INFANTILE PHYTANIC ACID STORAGE DISEASE. Identifiers: Orphanet 44, MedGen C0282527, MONDO:0011101, OMIM 601539.
PEX1-related disorder. Also called: PEX1-related condition.
Zellweger spectrum disorders (ZS). Also called: Zellweger Spectrum Disorder; Zellweger Spectrum; Zellweger syndrome; Zellweger Spectrum Disorder (ZSD). Identifiers: Orphanet 912, MedGen C0043459, MONDO:0019609.

Allele frequency attached by ClinVar (database versions not stated): gnomAD exomes 0.00001; ExAC 0.00005.
gnomAD v4.1: 5 of 1,590,194 alleles (0.00031%); highest among the groups gnomAD compares: South Asian, 0.0023%; no homozygotes.

Submissions (6):

PreventionGenetics, part of Exact Sciences
Classification: Pathogenic for PEX1-related condition. Last evaluated: 2026-04-24. Review status: criteria provided, single submitter. Criteria: ACMG Guidelines, 2015. Collection method: clinical testing. Allele origin: germline.
Comment: The PEX1 c.5G>A variant is predicted to result in premature protein termination (p.Trp2*). This variant has been reported in the compound heterozygous state in individuals with Zellweger syndrome (Ebberink et al. 2011. PubMed ID: 21031596; Zhong et al. 2022. PubMed ID: 36220650; Table S2, Fu et al. 2022. PubMed ID: 36307859). This variant is reported in 0.0074% of alleles in individuals of South Asian descent in gnomAD. Nonsense variants in PEX1 are expected to be pathogenic. This variant is interpreted as pathogenic.

Natera, Inc.
Classification: Pathogenic for Zellweger syndrome. Last evaluated: 2025-11-18. Review status: criteria provided, single submitter. Criteria: Natera Variant Classification Schema (03/2026). Collection method: clinical testing. Allele origin: germline.
Comment: The c.5G>A variant in PEX1 is a nonsense variant predicted to introduce a stop codon at amino acid 2. This variant is expected to result in nonsense mediated decay, truncation, or a dysfunctional protein product. This variant is rare in the general population with a frequency below the threshold expected for the associated phenotype(s). This variant has been observed in one or more individuals affected with the associated recessive disease, as either homozygous or compound heterozygous with a second variant (PMID: 36307859). Given the available evidence, this variant is classified as Pathogenic.

Labcorp Genetics (formerly Invitae), Labcorp
Classification: Pathogenic for Zellweger spectrum disorders. Last evaluated: 2025-02-10. Review status: criteria provided, single submitter. Criteria: Invitae Variant Classification Sherloc (09022015). Collection method: clinical testing. Allele origin: germline.
Comment: This sequence change creates a premature translational stop signal (p.Trp2*) in the PEX1 gene. It is expected to result in an absent or disrupted protein product. Loss-of-function variants in PEX1 are known to be pathogenic (PMID: 21031596, 26387595, 31831025). This variant is present in population databases (rs762679408, gnomAD 0.007%). This premature translational stop signal has been observed in individual(s) with a PEX1-related condition (PMID: 21031596). ClinVar contains an entry for this variant (Variation ID: 558040). For these reasons, this variant has been classified as Pathogenic.

Fulgent Genetics
Classification: Pathogenic for Peroxisome biogenesis disorder 1A (Zellweger); Heimler syndrome 1; Peroxisome biogenesis disorder 1B. Last evaluated: 2024-01-10. Review status: criteria provided, single submitter. Criteria: ACMG Guidelines, 2015. Collection method: clinical testing. Allele origin: germline.

Baylor Genetics
Classification: Pathogenic for Heimler syndrome 1. Last evaluated: 2023-05-02. Review status: criteria provided, single submitter. Criteria: ACMG Guidelines, 2015. Collection method: clinical testing. Allele origin: unknown.

Counsyl
Classification: Likely pathogenic for Peroxisome biogenesis disorder 1A (Zellweger). Last evaluated: 2018-05-02. Review status: no assertion criteria provided. Collection method: clinical testing. Allele origin: unknown. Not counted in ClinVar's aggregate classification.

Literature cited by the submitters: PubMed 36307859 (cited by Natera, Inc.); PubMed 21031596 (cited by Labcorp Genetics (formerly Invitae), Labcorp and Counsyl); PubMed 26387595 (cited by Labcorp Genetics (formerly Invitae), Labcorp); PubMed 31831025 (cited by Labcorp Genetics (formerly Invitae), Labcorp).